The following is an entry in ClinVar:

NM_022095.4(ZNF335):c.1331G>T (p.Arg444Leu)

Gene: ZNF335 (zinc finger protein 335; minus strand). Cytogenetic location: 20q13.12.
Variant type: single nucleotide variant.
Coding change: c.1331G>T on transcript NM_022095.4 (MANE Select); coding-DNA position 1331, G replaced by T.
Protein change: p.Arg444Leu; replaces arginine 444 with leucine.
Molecular consequence: missense variant.
Genome position (GRCh38, 1-based): chr20:45,963,762, C>A on the plus strand (G>T on the coding strand, the complement: ZNF335 is on the minus strand). VCF-style: chr20-45963762-C-A. GRCh37 (hg19) VCF-style: chr20-44592401-C-A.
Other names: short protein forms R444L.
Identifiers: ClinVar variation 1713785 (VCV001713785.5), dbSNP rs763025004, ClinGen allele CA409250258.

ClinVar aggregate classification (germline): Uncertain significance (1 of 4 stars; one submission).

Submission:

Labcorp Genetics (formerly Invitae), Labcorp
Classification: Uncertain significance. Last evaluated: 2022-11-22. Review status: criteria provided, single submitter. Criteria: Invitae Variant Classification Sherloc (09022015). Collection method: clinical testing. Allele origin: germline.
Comment: This sequence change replaces arginine, which is basic and polar, with leucine, which is neutral and non-polar, at codon 444 of the ZNF335 protein (p.Arg444Leu). This variant is not present in population databases (gnomAD no frequency). This variant has not been reported in the literature in individuals affected with ZNF335-related conditions. Advanced modeling of protein sequence and biophysical properties (such as structural, functional, and spatial information, amino acid conservation, physicochemical variation, residue mobility, and thermodynamic stability) performed at Invitae indicates that this missense variant is not expected to disrupt ZNF335 protein function. In summary, the available evidence is currently insufficient to determine the role of this variant in disease. Therefore, it has been classified as a Variant of Uncertain Significance.